The following is an entry in ClinVar:

ClinVar aggregate classification (germline): Pathogenic/Likely pathogenic. Review status: criteria provided, multiple submitters, no conflicts (2 of 4 stars). 3 submissions from 3 submitters: Pathogenic (1); Likely pathogenic (1). 1 of the submissions does not count toward it. Last evaluated 2023-05-20.

Conditions:
Long chain 3-hydroxyacyl-CoA dehydrogenase deficiency. Also called: Deficiency of long-chain 3-hydroxyacyl-coenzyme A dehydrogenase; LCHAD Deficiency. Identifiers: Orphanet 5, MedGen C3711645, MONDO:0012173, OMIM 609016.
Mitochondrial trifunctional protein deficiency. Identifiers: Orphanet 746, MedGen C1969443, MONDO:0012172.

Allele frequency attached by ClinVar (database versions not stated): TOPMed below 0.00001.

Submissions (3):

Labcorp Genetics (formerly Invitae), Labcorp
Classification: Pathogenic for Mitochondrial trifunctional protein deficiency; Long chain 3-hydroxyacyl-CoA dehydrogenase deficiency. Last evaluated: 2023-05-20. Review status: criteria provided, single submitter. Criteria: Invitae Variant Classification Sherloc (09022015). Collection method: clinical testing. Allele origin: germline.
Comment: This variant has not been reported in the literature in individuals affected with HADHA-related conditions. This variant is not present in population databases (gnomAD no frequency). This sequence change creates a premature translational stop signal (p.Gly44Trpfs*12) in the HADHA gene. It is expected to result in an absent or disrupted protein product. Loss-of-function variants in HADHA are known to be pathogenic (PMID: 7738175, 21103935, 21549624, 22459206). For these reasons, this variant has been classified as Pathogenic. ClinVar contains an entry for this variant (Variation ID: 552755).

Baylor Genetics
Classification: Likely pathogenic for Long chain 3-hydroxyacyl-CoA dehydrogenase deficiency. Last evaluated: 2022-08-25. Review status: criteria provided, single submitter. Criteria: ACMG Guidelines, 2015. Collection method: clinical testing. Allele origin: unknown.

Counsyl
Classification: Likely pathogenic for Long chain 3-hydroxyacyl-CoA dehydrogenase deficiency. Last evaluated: 2017-07-05. Review status: no assertion criteria provided. Collection method: clinical testing. Allele origin: unknown. Not counted in ClinVar's aggregate classification.

Literature cited by the submitters: PubMed 7738175 (cited by Labcorp Genetics (formerly Invitae), Labcorp); PubMed 21103935 (cited by Labcorp Genetics (formerly Invitae), Labcorp); PubMed 21549624 (cited by Labcorp Genetics (formerly Invitae), Labcorp); PubMed 22459206 (cited by Labcorp Genetics (formerly Invitae), Labcorp).

NM_000182.5(HADHA):c.129dup (p.Gly44fs)

Gene: HADHA (hydroxyacyl-CoA dehydrogenase trifunctional multienzyme complex subunit alpha; minus strand). Cytogenetic location: 2p23.3.
Variant type: Duplication.
Coding change: c.129dup on transcript NM_000182.5 (MANE Select); coding-DNA position 129, one base duplicated (T; older notation c.129dupT).
Protein change: p.Gly44fs; shifts the reading frame from glycine 44.
Molecular consequence: frameshift variant.
Genome position (GRCh38, 1-based): chr2:26,238,985, A duplicated on the plus strand (T on the coding strand, the reverse complement: HADHA is on the minus strand). VCF-style (leftmost placement, unchanged base first): chr2-26238984-C-CA. GRCh37 (hg19) VCF-style: chr2-26461852-C-CA.
Other names: c.129dupT (NM_000182.4); short protein forms G44fs.
Identifiers: ClinVar variation 552755 (VCV000552755.6), dbSNP rs1298883200, ClinGen allele CA658823343.